The following is an entry in ClinVar:

NM_001034853.2(RPGR):c.2736A>G (p.Gly912=)

Gene: RPGR (retinitis pigmentosa GTPase regulator; minus strand). Cytogenetic location: Xp11.4.
Variant type: single nucleotide variant.
Coding change: c.2736A>G on transcript NM_001034853.2 (MANE Select); coding-DNA position 2736, A replaced by G.
Protein change: p.Gly912=; no amino-acid change (glycine 912 retained).
Molecular consequence: synonymous variant. On other transcripts: intron variant (8).
Genome position (GRCh38, 1-based): chrX:38,286,263, T>C on the plus strand (A>G on the coding strand, the complement: RPGR is on the minus strand). VCF-style: chrX-38286263-T-C. GRCh37 (hg19) VCF-style: chrX-38145516-T-C.
Other names: c.1569+4696A>G (NM_001367249.1, NM_001367250.1); c.1902+831A>G (NM_001367245.1); c.1386+4696A>G (NM_001367251.1); c.1719+831A>G (NM_001367246.1); c.1572+4696A>G (NM_001367247.1); c.1905+831A>G (NM_000328.3); c.1602+4696A>G (NM_001367248.1).
Identifiers: ClinVar variation 3388282 (VCV003388282.15).

ClinVar aggregate classification (germline): Likely benign. Review status: criteria provided, multiple submitters, no conflicts (2 of 4 stars). 2 submissions from 2 submitters: Likely benign (2). Last evaluated 2024-09-01.

Submissions (2):

CeGaT Center for Human Genetics Tuebingen
Classification: Likely benign. Last evaluated: 2024-09-01. Review status: criteria provided, single submitter. Criteria: CeGaT Center For Human Genetics Tuebingen Variant Classification Criteria Version 2. Collection method: clinical testing. Allele origin: germline. Affected: yes. Observed: 1 variant allele.
Comment: RPGR: BP4, BP7

Blueprint Genetics
Classification: Likely benign. Last evaluated: 2024-04-17. Review status: criteria provided, single submitter. Criteria: ACMG Guidelines, 2015. Collection method: clinical testing. Allele origin: germline.